The following is an entry in ClinVar:

NM_001260.3(CDK8):c.863A>G (p.Tyr288Cys)

Gene: CDK8 (cyclin dependent kinase 8; plus strand). Cytogenetic location: 13q12.13.
Variant type: single nucleotide variant.
Coding change: c.863A>G on transcript NM_001260.3 (MANE Select); coding-DNA position 863, A replaced by G.
Protein change: p.Tyr288Cys; replaces tyrosine 288 with cysteine.
Molecular consequence: missense variant.
Genome position (GRCh38, 1-based): chr13:26,397,155, A>G. VCF-style: chr13-26397155-A-G. GRCh37 (hg19) VCF-style: chr13-26971292-A-G.
Other names: c.863A>G, p.Tyr288Cys (NM_001318368.2); c.344A>G, p.Tyr115Cys (NM_001346501.2); short protein forms Y115C, Y288C.
Identifiers: ClinVar variation 4537862 (VCV004537862.1).

ClinVar aggregate classification (germline): Uncertain significance (1 of 4 stars; one submission).

gnomAD v4.1: 1 of 1,567,290 alleles (0.000064%); highest among the groups gnomAD compares: Non-Finnish European, 0.000088%; no homozygotes.

Submission:

GeneDx
Classification: Uncertain significance. Last evaluated: 2025-06-10. Review status: criteria provided, single submitter. Criteria: GeneDx Variant Classification Process June 2021. Collection method: clinical testing. Allele origin: germline. Affected: yes.
Comment: Not observed at significant frequency in large population cohorts (gnomAD); In silico analysis supports that this missense variant has a deleterious effect on protein structure/function; Has not been previously published as pathogenic or benign to our knowledge